The following is an entry in ClinVar:

NM_032119.4(ADGRV1):c.12528-332A>G

Gene: ADGRV1 (adhesion G protein-coupled receptor V1; plus strand). Cytogenetic location: 5q14.3.
Variant type: single nucleotide variant.
Coding change: c.12528-332A>G on transcript NM_032119.4 (MANE Select); 332 bases into the intron before coding-DNA position 12528, A replaced by G.
Molecular consequence: intron variant.
Genome position (GRCh38, 1-based): chr5:90,777,573, A>G. VCF-style: chr5-90777573-A-G. GRCh37 (hg19) VCF-style: chr5-90073390-A-G.
Identifiers: ClinVar variation 667602 (VCV000667602.1), dbSNP rs2438355, ClinGen allele CA12142951.

ClinVar aggregate classification (germline): Benign (1 of 4 stars; one submission).

Allele frequency attached by ClinVar (database versions not stated): gnomAD 0.57311 and 0.57450; TOPMed 0.58080; 1000 Genomes Project 30x 0.60103; 1000 Genomes Project 0.60104.
gnomAD v4.1: 87,072 of 151,906 alleles (57%); highest among the groups gnomAD compares: Admixed American, 66%; 25,045 homozygotes.

Submission:

GeneDx
Classification: Benign. Last evaluated: 2018-06-14. Review status: criteria provided, single submitter. Criteria: GeneDx Variant Classification (06012015). Collection method: clinical testing. Allele origin: germline. Affected: yes.
Comment: This variant is considered likely benign or benign based on one or more of the following criteria: it is a conservative change, it occurs at a poorly conserved position in the protein, it is predicted to be benign by multiple in silico algorithms, and/or has population frequency not consistent with disease.